The following is an entry in ClinVar:

ClinVar aggregate classification (germline): Uncertain significance (1 of 4 stars; one submission).

Conditions:
Hereditary cancer-predisposing syndrome. Also called: Tumor predisposition; Hereditary neoplastic syndrome; Neoplastic Syndromes, Hereditary; Hereditary Cancer Syndrome. Identifiers: Orphanet 140162, MedGen C0027672, MeSH D009386, MONDO:0015356.

Submission:

Ambry Genetics
Classification: Uncertain significance for Hereditary cancer-predisposing syndrome. Last evaluated: 2025-04-01. Review status: criteria provided, single submitter. Criteria: Ambry Variant Classification Scheme 2023. Collection method: clinical testing. Allele origin: germline.
Comment: The p.K487N variant (also known as c.1461A>C), located in coding exon 12 of the EGFR gene, results from an A to C substitution at nucleotide position 1461. The lysine at codon 487 is replaced by asparagine, an amino acid with similar properties. This amino acid position is conserved. In addition, this alteration is predicted to be tolerated by in silico analysis. Based on the available evidence, the clinical significance of this variant remains unclear.

NM_005228.5(EGFR):c.1461A>C (p.Lys487Asn)

Gene: EGFR (epidermal growth factor receptor; plus strand). Cytogenetic location: 7p11.2.
Variant type: single nucleotide variant.
Coding change: c.1461A>C on transcript NM_005228.5 (MANE Select); coding-DNA position 1461, A replaced by C.
Protein change: p.Lys487Asn; replaces lysine 487 with asparagine.
Molecular consequence: missense variant.
Genome position (GRCh38, 1-based): chr7:55,160,301, A>C. VCF-style: chr7-55160301-A-C. GRCh37 (hg19) VCF-style: chr7-55227994-A-C.
Other names: c.660A>C, p.Lys220Asn (NM_001346941.2); c.1461A>C, p.Lys487Asn (NM_201282.2, NM_201284.2, NM_001346898.2); c.1326A>C, p.Lys442Asn (NM_001346897.2, NM_001346899.2); c.1302A>C, p.Lys434Asn (NM_001346900.2); short protein forms K220N, K442N, K434N, K487N.
Identifiers: ClinVar variation 4016717 (VCV004016717.1).